The following is an entry in ClinVar:

NM_000059.4(BRCA2):c.9196C>T (p.Gln3066Ter)

Gene: BRCA2 (BRCA2 DNA repair associated; plus strand). Cytogenetic location: 13q13.1.
Variant type: single nucleotide variant.
Coding change: c.9196C>T on transcript NM_000059.4 (MANE Select); coding-DNA position 9196, C replaced by T.
Protein change: p.Gln3066Ter; replaces glutamine 3066 with a stop codon.
Molecular consequence: nonsense.
Genome position (GRCh38, 1-based): chr13:32,380,085, C>T. VCF-style: chr13-32380085-C-T. GRCh37 (hg19) VCF-style: chr13-32954222-C-T.
Other names: NP_000050.3:p.Gln3066Ter; 9424C>T; short protein forms Q3066*.
Identifiers: ClinVar variation 9347 (VCV000009347.48), dbSNP rs80359180, ClinGen allele CA026028.
Genomic context (GRCh38, chr13:32,380,085, plus strand): 5'-TTTCAGATTTACCAGCCACGGGAGCCCCTTCACTTCAGCAAATTTTTAGATCCAGACTTT[C>T]AGCCATCTTGTTCTGAGGTGGACCTAATAGGATTTGTCGTTTCTGTTGTGAAAAAAACAG-3'

ClinVar aggregate classification (germline): Pathogenic. Review status: reviewed by expert panel (3 of 4 stars). 26 submissions from 26 submitters: Pathogenic (1). 25 of the submissions do not count toward it. Last evaluated 2016-04-22.

Conditions:
Cancer or benign tumor. Also called: Cell proliferation disorder. Identifiers: MedGen CN377727, MONDO:0045024.
BRCA2-related cancer predisposition. Identifiers: MedGen CN377758, MONDO:0700269.
Hereditary cancer-predisposing syndrome. Also called: Neoplastic Syndromes, Hereditary; Tumor predisposition; Hereditary neoplastic syndrome; Hereditary Cancer Syndrome. Identifiers: Orphanet 140162, MedGen C0027672, MeSH D009386, MONDO:0015356.
Hereditary breast ovarian cancer syndrome. Also called: Breast and ovarian cancer; Hereditary breast and/or ovarian cancer syndrome; Hereditary breast and ovarian cancer syndrome (HBOC); Hereditary breast and ovarian cancer; Hereditary breast and ovarian cancer syndrome; BRCA1- and BRCA2-Associated Hereditary Breast and Ovarian Cancer. Identifiers: Orphanet 145, MedGen C0677776, MeSH D061325, MONDO:0003582. Disease mechanism: loss of function.
Breast-ovarian cancer, familial, susceptibility to, 1 (BROVCA1). Also called: BRCA1 Hereditary Breast and Ovarian Cancer; OVARIAN CANCER, SUSCEPTIBILITY TO. Identifiers: Orphanet 145, MedGen C2676676, MONDO:0011450, OMIM 604370. Disease mechanism: loss of function.
Fanconi anemia complementation group D1. Also called: BRCA2-Related Fanconi Anemia. Identifiers: Orphanet 319462, MedGen C1838457, MONDO:0011584, OMIM 605724.
Breast-ovarian cancer, familial, susceptibility to, 2 (BROVCA2). Also called: BRCA2 Hereditary Breast and Ovarian Cancer. Identifiers: Orphanet 145, MedGen C2675520, MONDO:0012933, OMIM 612555. Disease mechanism: loss of function.
Familial cancer of breast. Also called: Hereditary breast cancer; hereditary breast carcinoma; BREAST CANCER, FAMILIAL. Identifiers: Orphanet 227535, MedGen C0346153, MONDO:0016419, OMIM 114480. Disease mechanism: loss of function.
Malignant tumor of breast. Also called: Cancer breast; Malignant breast neoplasm. Identifiers: MedGen C0006142, MONDO:0007254. Disease mechanism: loss of function.

Allele frequency attached by ClinVar (database versions not stated): TOPMed below 0.00001.
gnomAD v4.1: 6 of 1,614,068 alleles (0.00037%); highest among the groups gnomAD compares: Non-Finnish European, 0.00051%; no homozygotes.

Submissions 1 to 9 of 26:

Evidence-based Network for the Interpretation of Germline Mutant Alleles (ENIGMA)
Classification: Pathogenic for Breast-ovarian cancer, familial, susceptibility to, 2. Last evaluated: 2016-04-22. Review status: reviewed by expert panel. Criteria: ENIGMA BRCA1/2 Classification Criteria (2015). Collection method: curation. Allele origin: germline.
Comment: Variant allele predicted to encode a truncated non-functional protein.

Labcorp Genetics (formerly Invitae), Labcorp
Classification: Pathogenic for Hereditary breast ovarian cancer syndrome. Last evaluated: 2026-01-19. Review status: criteria provided, single submitter. Criteria: Invitae Variant Classification Sherloc (09022015). Collection method: clinical testing. Allele origin: germline. Not counted in ClinVar's aggregate classification.
Comment: This sequence change creates a premature translational stop signal (p.Gln3066*) in the BRCA2 gene. It is expected to result in an absent or disrupted protein product. Loss-of-function variants in BRCA2 are known to be pathogenic (PMID: 20104584). This variant is not present in population databases (gnomAD no frequency). This premature translational stop signal has been observed in individual(s) with breast cancer, ovarian cancer, and Fanconi anemia (PMID: 14559878, 16825431, 24504028, 24728189, 26681682, 26845104). ClinVar contains an entry for this variant (Variation ID: 9347). For these reasons, this variant has been classified as Pathogenic.

Center for Genomic Medicine, Rigshospitalet, Copenhagen University Hospital
Classification: Pathogenic. Last evaluated: 2025-12-29. Review status: criteria provided, single submitter. Criteria: ACMG Guidelines, 2015. Collection method: clinical testing. Allele origin: germline. Not counted in ClinVar's aggregate classification.

Mayo Clinic Laboratories, Mayo Clinic
Classification: Pathogenic. Last evaluated: 2025-03-04. Review status: criteria provided, single submitter. Criteria: ACMG Guidelines, 2015. Collection method: clinical testing. Allele origin: germline. Observed: 1 variant allele. Not counted in ClinVar's aggregate classification.
Comment: PM2_supporting, PM3_supporting, PM5_strong, PVS1

Ambry Genetics
Classification: Pathogenic for Hereditary cancer-predisposing syndrome. Last evaluated: 2025-02-19. Review status: criteria provided, single submitter. Criteria: Ambry Variant Classification Scheme 2023. Collection method: clinical testing. Allele origin: germline. Not counted in ClinVar's aggregate classification.
Comment: The p.Q3066* pathogenic mutation (also known as c.9196C>T), located in coding exon 23 of the BRCA2 gene, results from a C to T substitution at nucleotide position 9196. This changes the amino acid from a glutamine to a stop codon within coding exon 23. This pathogenic mutation has been described in individuals with male breast cancer, ovarian cancer, triple negative breast cancer, early onset breast cancer and prostate cancer (Tai YC et al. J. Natl. Cancer Inst. 2007 Dec;99:1811-4; Cunningham JM et al. Sci. Rep. 2014 Feb;4:4026; Couch FJ et al. J. Clin. Oncol. 2015 Feb;33(4):304-11; Eccles DM et al. Ann. Oncol. 2016 Mar;27(3):467-73; Cheng HH et al. Eur. Urol. 2016 Jun;69(6):992-5). In two unrelated children with Fanconi anemia (FA), this mutation was reported in conjunction with a second pathogenic BRCA2 mutation (Offit K et al. J. Natl. Cancer Inst. 2003 Oct;95:1548-51; Alter BP et al. J. Med. Genet. 2007 Jan;44:1-9). Of note, this alteration is also designated as 9424C>T in published literature. This variant is considered to be rare based on population cohorts in the Genome Aggregation Database (gnomAD). In addition to the clinical data presented in the literature, this alteration is expected to result in loss of function by premature protein truncation or nonsense-mediated mRNA decay. As such, this alteration is interpreted as a disease-causing mutation. However, because this variant is identified in one or more patients with Fanconi Anemia it may be hypomorphic and thus, carriers of this variant and their families may present with reduced risks, and not with the typical clinical characteristics of a high-risk pathogenic BRCA2 alteration. As risk estimates are unknown at this time, clinical correlation is advised.

All of Us Research Program, National Institutes of Health
Classification: Pathogenic for BRCA2-related cancer predisposition. Last evaluated: 2024-06-27. Review status: criteria provided, single submitter. Criteria: ACMG Guidelines, 2015. Collection method: clinical testing. Allele origin: germline. Inheritance: Autosomal dominant inheritance. Observed: 1 variant allele, 1 heterozygote. Not counted in ClinVar's aggregate classification.
Comment: This variant changes 1 nucleotide in exon 24 of the BRCA2 gene, creating a premature translation stop signal. This variant is expected to result in an absent or non-functional protein product. To our knowledge, functional studies have not been reported for this variant. This variant has been detected in at least six individuals affected with breast and/or ovarian cancer (PMID: 17592676, 22034289, 24504028, 24728189, 25452441, 26681682, 26845104) and an individual affected with prostate cancer (PMID: 26724258). This variant also has been detected in compound heterozygosity in an individual affected with Fanconi anemia (PMID: 14559878). This variant has not been identified in the general population by the Genome Aggregation Database (gnomAD). Loss of BRCA2 function is a known mechanism of disease. Based on the available evidence, this variant is classified as Pathogenic.

This study involves interpretation of variants in research participants for the purpose of population health screening. Participant phenotype was not available at the time of variant classification. Additional details can be found in publication PMID: 35346344, PMCID: PMC8962531

Color Diagnostics, LLC DBA Color Health
Classification: Pathogenic for Hereditary cancer-predisposing syndrome. Last evaluated: 2024-05-30. Review status: criteria provided, single submitter. Criteria: ACMG Guidelines, 2015. Collection method: clinical testing. Allele origin: germline. Not counted in ClinVar's aggregate classification.
Comment: This variant changes 1 nucleotide in exon 24 of the BRCA2 gene, creating a premature translation stop signal. This variant is expected to result in an absent or non-functional protein product. This variant has been detected in at least six individuals affected with breast and/or ovarian cancer (PMID: 17592676, 22034289, 24504028, 24728189, 25452441, 26681682, 26845104) and an individual affected with prostate cancer (PMID: 26724258). This variant also has been detected in compound heterozygosity in an individual affected with Fanconi anemia (PMID: 14559878). This variant has not been identified in the general population by the Genome Aggregation Database (gnomAD). Loss of BRCA2 function is a known mechanism of disease. Based on the available evidence, this variant is classified as Pathogenic.

Department of Clinical Genetics, Copenhagen University Hospital, Rigshospitalet
Classification: Pathogenic for Breast-ovarian cancer, familial, susceptibility to, 2. Last evaluated: 2024-05-27. Review status: criteria provided, single submitter. Criteria: ACMG Guidelines, 2015. Collection method: clinical testing. Allele origin: germline. Affected: yes. Not counted in ClinVar's aggregate classification.
Comment: PVS1; PM2_supporting; PM5_PTC_Strong

Baylor Genetics
Classification: Pathogenic for Familial cancer of breast. Last evaluated: 2023-08-21. Review status: criteria provided, single submitter. Criteria: ACMG Guidelines, 2015. Collection method: clinical testing. Allele origin: unknown. Not counted in ClinVar's aggregate classification.